The following is an entry in ClinVar:

NM_001987.5(ETV6):c.328+1G>T

Genes: ETV6 (ETS variant transcription factor 6; plus strand), LOC126861451 (BRD4-independent group 4 enhancer GRCh37_chr12:11991350-11992549; plus strand). Cytogenetic location: 12p13.2.
Variant type: single nucleotide variant.
Coding change: c.328+1G>T on transcript NM_001987.5 (MANE Select); the canonical splice donor site of the intron after coding-DNA position 328, G replaced by T.
Molecular consequence: splice donor variant.
Genome position (GRCh38, 1-based): chr12:11,839,305, G>T. VCF-style: chr12-11839305-G-T. GRCh37 (hg19) VCF-style: chr12-11992239-G-T.
Other names: c.301+1G>T (NM_001413914.1); c.328+1G>T (NM_001413917.1, NM_001413916.1, NM_001413918.1); c.325+1G>T (NM_001413913.1); c.64+1G>T (NM_001413915.1).
Identifiers: ClinVar variation 2705625 (VCV002705625.3), dbSNP rs2497925453, ClinGen allele CA384042894.

ClinVar aggregate classification (germline): Likely pathogenic (1 of 4 stars; one submission).

Submission:

Labcorp Genetics (formerly Invitae), Labcorp
Classification: Likely pathogenic. Last evaluated: 2023-12-26. Review status: criteria provided, single submitter. Criteria: Invitae Variant Classification Sherloc (09022015). Collection method: clinical testing. Allele origin: germline.
Comment: This sequence change affects a donor splice site in intron 3 of the ETV6 gene. It is expected to disrupt RNA splicing. Variants that disrupt the donor or acceptor splice site typically lead to a loss of protein function (PMID: 16199547), and loss-of-function variants in ETV6 are known to be pathogenic (PMID: 26102509, 27365488, 29034503). This variant is not present in population databases (gnomAD no frequency). This variant has not been reported in the literature in individuals affected with ETV6-related conditions. Algorithms developed to predict the effect of sequence changes on RNA splicing suggest that this variant may disrupt the consensus splice site. In summary, the currently available evidence indicates that the variant is pathogenic, but additional data are needed to prove that conclusively. Therefore, this variant has been classified as Likely Pathogenic.

Literature cited by the submitters: PubMed 16199547; PubMed 26102509; PubMed 27365488; PubMed 29034503.